The following is an entry in ClinVar:

NC_000016.10:g.89093730G>A

Genes: ACSF3 (acyl-CoA synthetase family member 3; plus strand), LOC130059789 (ATAC-STARR-seq lymphoblastoid silent region 7892; plus strand). Cytogenetic location: 16q24.3.
Variant type: single nucleotide variant.
Genome position: GRCh38 VCF-style: chr16-89093730-G-A. GRCh37 (hg19) VCF-style: chr16-89160138-G-A.
Identifiers: ClinVar variation 1703310 (VCV001703310.3), dbSNP rs536587952, ClinGen allele CA286478762.

ClinVar aggregate classification (germline): Likely benign (1 of 4 stars; one submission).

Allele frequency attached by ClinVar (database versions not stated): 1000 Genomes Project 30x 0.00281; TOPMed 0.00449; gnomAD 0.00553.

Submission:

GeneDx
Classification: Likely benign. Last evaluated: 2022-02-24. Review status: criteria provided, single submitter. Criteria: GeneDx Variant Classification Process June 2021. Collection method: clinical testing. Allele origin: germline. Affected: yes.
Comment: See Variant Classification Assertion Criteria.